The following is an entry in ClinVar:

NM_005097.4(LGI1):c.601G>A (p.Glu201Lys)

Gene: LGI1 (leucine rich glioma inactivated 1; plus strand). Cytogenetic location: 10q23.33.
Variant type: single nucleotide variant.
Coding change: c.601G>A on transcript NM_005097.4 (MANE Select); coding-DNA position 601, G replaced by A.
Protein change: p.Glu201Lys; replaces glutamic acid 201 with lysine.
Molecular consequence: missense variant. On other transcripts: non-coding transcript variant (1).
Genome position (GRCh38, 1-based): chr10:93,792,840, G>A. VCF-style: chr10-93792840-G-A. GRCh37 (hg19) VCF-style: chr10-95552597-G-A.
Other names: c.601G>A, p.Glu201Lys (NM_001308275.2); c.457G>A, p.Glu153Lys (NM_001308276.2); short protein forms E153K, E201K.
Identifiers: ClinVar variation 1303644 (VCV001303644.7), dbSNP rs2134020895, ClinGen allele CA377623527.

ClinVar aggregate classification (germline): Uncertain significance. Review status: criteria provided, multiple submitters, no conflicts (2 of 4 stars). 2 submissions from 2 submitters: Uncertain significance (2). Last evaluated 2021-09-03.

Conditions:
Autosomal dominant epilepsy with auditory features. Identifiers: Orphanet 101046, MedGen C1838062, MONDO:0010898.

Allele frequency attached by ClinVar (database versions not stated): gnomAD exomes below 0.00001.
gnomAD v4.1: 4 of 1,614,030 alleles (0.00025%); highest among the groups gnomAD compares: Non-Finnish European, 0.00034%; no homozygotes.

Submissions (2):

Labcorp Genetics (formerly Invitae), Labcorp
Classification: Uncertain significance for Autosomal dominant epilepsy with auditory features. Last evaluated: 2021-09-03. Review status: criteria provided, single submitter. Criteria: Invitae Variant Classification Sherloc (09022015). Collection method: clinical testing. Allele origin: germline.
Comment: This sequence change replaces glutamic acid with lysine at codon 201 of the LGI1 protein (p.Glu201Lys). The glutamic acid residue is moderately conserved and there is a small physicochemical difference between glutamic acid and lysine. This variant is not present in population databases (ExAC no frequency). This variant has not been reported in the literature in individuals affected with LGI1-related conditions. Algorithms developed to predict the effect of missense changes on protein structure and function (SIFT, PolyPhen-2, Align-GVGD) all suggest that this variant is likely to be tolerated. In summary, the available evidence is currently insufficient to determine the role of this variant in disease. Therefore, it has been classified as a Variant of Uncertain Significance.

GeneDx
Classification: Uncertain significance. Last evaluated: 2019-09-05. Review status: criteria provided, single submitter. Criteria: GeneDx Variant Classification Process June 2021. Collection method: clinical testing. Allele origin: germline. Affected: yes.
Comment: Not observed in large population cohorts (Lek et al., 2016); In silico analysis, which includes protein predictors and evolutionary conservation, supports that this variant does not alter protein structure/function; Has not been previously published as pathogenic or benign to our knowledge